The following is an entry in ClinVar:

NM_000277.3(PAH):c.809G>A (p.Arg270Lys)

Gene: PAH (phenylalanine hydroxylase; minus strand). Cytogenetic location: 12q23.2.
Variant type: single nucleotide variant.
Coding change: c.809G>A on transcript NM_000277.3 (MANE Select); coding-DNA position 809, G replaced by A.
Protein change: p.Arg270Lys; replaces arginine 270 with lysine.
Molecular consequence: missense variant.
Genome position (GRCh38, 1-based): chr12:102,852,848, C>T on the plus strand (G>A on the coding strand, the complement: PAH is on the minus strand). VCF-style: chr12-102852848-C-T. GRCh37 (hg19) VCF-style: chr12-103246626-C-T.
Other names: c.809G>A, p.Arg270Lys (NM_001354304.2); c.809G>A (NM_000277.2); short protein forms R270K.
Identifiers: ClinVar variation 102846 (VCV000102846.63), dbSNP rs62514950, ClinGen allele CA229781.

ClinVar aggregate classification (germline): Pathogenic. Review status: reviewed by expert panel (3 of 4 stars). 12 submissions from 12 submitters: Pathogenic (1). 11 of the submissions do not count toward it. Last evaluated 2020-06-08.

Conditions:
Inborn genetic diseases. Identifiers: MedGen C0950123, MeSH D030342.
Phenylketonuria (PKU). Also called: OLIGOPHRENIA PHENYLPYRUVICA; Phenylketonurias; Phenylketonuria (PKU); FOLLING DISEASE. Identifiers: Orphanet 716, MedGen C0031485, MONDO:0009861, OMIM 261600. Disease mechanism: loss of function.

Allele frequency attached by ClinVar (database versions not stated): gnomAD exomes 0.00001 and 0.00002; ExAC 0.00001; TOPMed 0.00002.
gnomAD v4.1: 11 of 1,614,072 alleles (0.00068%); highest among the groups gnomAD compares: Admixed American, 0.005%; no homozygotes.

Submissions (12):

ClinGen PAH Variant Curation Expert Panel
Classification: Pathogenic for Phenylketonuria. Last evaluated: 2020-06-08. Review status: reviewed by expert panel. Criteria: ClinGen PAH ACMG Specifications v1. Collection method: curation. Allele origin: germline. Inheritance: Autosomal recessive inheritance.
Comment: The c.809G>A (p.Arg270Lys) variant in PAH has been reported in multiple individuals with PAH deficiency (BH4 deficiency excluded). (PMID: 21871829, 23856132). This variant has an extremely low allele frequency (MAF=0.00016) in gnomAD. This variant has 11% residual PAH activity (PMID: 27620137). This variant was detected with multiple pathogenic variants: IVS10nt-11G>A (2 patients), L348V, S349P, R158Q, E390G, D415N (PMID: 21871829); and IVS4+5G>T (PMID: 23856132). Computational prediction tools and conservation analysis support a deleterious effect. In summary, this variant meets criteria to be classified as pathogenic for PAH. PAH-specific ACMG/AMP criteria applied: PM3_very-strong, PM2, PP4_Moderate, PP3, PS3_supporting.

Dasa
Classification: Pathogenic. Last evaluated: 2026-01-05. Review status: criteria provided, single submitter. Criteria: DASA Assertion Criteria. Collection method: clinical testing. Allele origin: germline. Not counted in ClinVar's aggregate classification.
Comment: NM_000277.3(PAH):c.809G>A (p.Arg270Lys) is a missense variant that results in the substitution of arginine with lysine. Functional evidence supports a deleterious effect on the gene or gene product (PMID: 21871829; PMID: 23856132; PMID: 27620137). This variant has been recurrently observed in individuals with related phenotype (PMID: 21871829; PMID: 23856132; PMID: 27620137). Multiple computational predictions support a deleterious effect on the gene or gene product. The variant is present at low frequency in population datasets. Based on the available data, this variant is classified as pathogenic.

Labcorp Genetics (formerly Invitae), Labcorp
Classification: Pathogenic for Phenylketonuria. Last evaluated: 2026-01-03. Review status: criteria provided, single submitter. Criteria: Invitae Variant Classification Sherloc (09022015). Collection method: clinical testing. Allele origin: germline. Not counted in ClinVar's aggregate classification.
Comment: This sequence change replaces arginine, which is basic and polar, with lysine, which is basic and polar, at codon 270 of the PAH protein (p.Arg270Lys). This variant is present in population databases (rs62514950, gnomAD 0.009%). This missense change has been observed in individual(s) with phenylketonuria and hyperphenylalaninemia (PMID: 12173030, 20082265, 20187763, 23500595, 23856132). ClinVar contains an entry for this variant (Variation ID: 102846). Invitae Evidence Modeling of protein sequence and biophysical properties (such as structural, functional, and spatial information, amino acid conservation, physicochemical variation, residue mobility, and thermodynamic stability) indicates that this missense variant is expected to disrupt PAH protein function with a positive predictive value of 80%. Experimental studies have shown that this missense change affects PAH function (PMID: 16545551, 17935162, 25453233, 27620137). For these reasons, this variant has been classified as Pathogenic.

Natera, Inc.
Classification: Pathogenic for Phenylketonuria. Last evaluated: 2025-08-21. Review status: criteria provided, single submitter. Criteria: Natera Variant Classification Schema (03/2026). Collection method: clinical testing. Allele origin: germline. Not counted in ClinVar's aggregate classification.
Comment: The c.809G>A variant in PAH is a missense variant predicted to cause substitution of arginine to lysine at amino acid 270. This variant is rare in the general population with a frequency below the threshold expected for the associated phenotype(s). This variant has been observed in one or more individuals affected with the associated recessive disease, as either homozygous or compound heterozygous with a second variant (PMID: 21871829). Computational prediction algorithms indicate this variant is likely to affect gene or protein function. Given the available evidence, this variant is classified as Pathogenic.

Ambry Genetics
Classification: Pathogenic for Inborn genetic diseases. Last evaluated: 2025-03-12. Review status: criteria provided, single submitter. Criteria: Ambry Variant Classification Scheme 2023. Collection method: clinical testing. Allele origin: germline. Not counted in ClinVar's aggregate classification.
Comment: The c.809G>A (p.R270K) alteration is located in exon 7 (coding exon 7) of the PAH gene. This alteration results from a G to A substitution at nucleotide position 809, causing the arginine (R) at amino acid position 270 to be replaced by a lysine (K). Based on data from gnomAD, the A allele has an overall frequency of 0.002% (4/251348) total alleles studied. This variant has been identified in the homozygous state and/or in conjunction with other PAH variants in individuals with features consistent with phenylalanine hydroxylase deficiency; in at least one instance, the variants were identified in trans (Santos, 2010; Rivera, 2011; Murad, 2013; Vela-Amieva, 2021). This amino acid position is highly conserved in available vertebrate species. In an assay testing PAH function, this variant showed a functionally abnormal result (Trunzo, 2016). This alteration is predicted to be deleterious by in silico analysis. Based on the available evidence, this alteration is classified as pathogenic.

Baylor Genetics
Classification: Pathogenic for Phenylketonuria. Last evaluated: 2024-01-26. Review status: criteria provided, single submitter. Criteria: ACMG Guidelines, 2015. Collection method: clinical testing. Allele origin: unknown. Not counted in ClinVar's aggregate classification.

GeneDx
Classification: Pathogenic. Last evaluated: 2022-05-18. Review status: criteria provided, single submitter. Criteria: GeneDx Variant Classification Process June 2021. Collection method: clinical testing. Allele origin: germline. Affected: yes. Not counted in ClinVar's aggregate classification.
Comment: Not observed at significant frequency in large population cohorts (gnomAD); In silico analysis supports that this missense variant has a deleterious effect on protein structure/function; This variant is associated with the following publications: (PMID: 8528673, 11180595, 20082265, 20187763, 23856132, 29749107, 34828281, 17935162, 25750018, 27620137, 9598724, 7914195, 12173030, 16545551, 25453233, 23500595, 21871829, 26666653, 31355225, 32778825, 33465300)

Quest Diagnostics Nichols Institute San Juan Capistrano
Classification: Pathogenic. Last evaluated: 2022-01-25. Review status: criteria provided, single submitter. Criteria: Quest Diagnostics criteria. Collection method: clinical testing. Allele origin: unknown. Not counted in ClinVar's aggregate classification.
Comment: The variant has been reported in multiple individuals largely affected with classic PKU when another severe disease-causing variant is present on the other allele (PMID: 20082265 (2010), 21871829 (2011), 23856132 (2013), 26666653 (2015), 33465300 (2021)). Functional studies have shown that this variant causes severely reduced activity ranging from 2.1 to 11% of the wild-type activity (PMID: 16545551 (2006), 27620137 (2016)). Based on the available information, this variant is classified as pathogenic.

CeGaT Center for Human Genetics Tuebingen
Classification: Pathogenic. Last evaluated: 2019-02-01. Review status: criteria provided, single submitter. Criteria: CeGaT Center For Human Genetics Tuebingen Variant Classification Criteria Version 2. Collection method: clinical testing. Allele origin: germline. Affected: yes. Observed: 1 variant allele. Not counted in ClinVar's aggregate classification.

Women's Health and Genetics/Laboratory Corporation of America, LabCorp
Classification: Pathogenic for Phenylketonuria. Last evaluated: 2017-07-05. Review status: criteria provided, single submitter. Criteria: LabCorp Variant Classification Summary - May 2015. Collection method: clinical testing. Allele origin: germline. Not counted in ClinVar's aggregate classification.

Eurofins Ntd Llc (ga)
Classification: Pathogenic. Last evaluated: 2014-01-15. Review status: criteria provided, single submitter. Criteria: EGL Classification Definitions 2015. Collection method: clinical testing. Allele origin: germline. Observed: 2 variant alleles, 2 heterozygotes. Not counted in ClinVar's aggregate classification.

DeBelle Laboratory for Biochemical Genetics, MUHC/MCH RESEARCH INSTITUTE
No classification provided. Review status: no classification provided. Collection method: not provided. Allele origin: not provided. Not counted in ClinVar's aggregate classification.

Literature cited by the submitters: PubMed 27620137 (cited by 5 submitters); PubMed 21871829 (cited by 6 submitters); PubMed 23856132 (cited by 5 submitters); PubMed 12173030 (cited by Labcorp Genetics (formerly Invitae), Labcorp and Quest Diagnostics Nichols Institute San Juan Capistrano); PubMed 20082265 (cited by 3 submitters); PubMed 20187763 (cited by Labcorp Genetics (formerly Invitae), Labcorp); PubMed 23500595 (cited by Labcorp Genetics (formerly Invitae), Labcorp and Quest Diagnostics Nichols Institute San Juan Capistrano); PubMed 16545551 (cited by Labcorp Genetics (formerly Invitae), Labcorp and Quest Diagnostics Nichols Institute San Juan Capistrano); PubMed 17935162 (cited by 3 submitters); PubMed 25453233 (cited by Labcorp Genetics (formerly Invitae), Labcorp and Quest Diagnostics Nichols Institute San Juan Capistrano); PubMed 34828281 (cited by Ambry Genetics); PubMed 26666653 (cited by Quest Diagnostics Nichols Institute San Juan Capistrano and Women's Health and Genetics/Laboratory Corporation of America, LabCorp); PubMed 26503515 (cited by Quest Diagnostics Nichols Institute San Juan Capistrano and Women's Health and Genetics/Laboratory Corporation of America, LabCorp); PubMed 31355225 (cited by Quest Diagnostics Nichols Institute San Juan Capistrano); PubMed 33465300 (cited by Quest Diagnostics Nichols Institute San Juan Capistrano); PubMed 8528673 (cited by Eurofins Ntd Llc (ga)).